The following is an entry in ClinVar:

NM_001018111.3(PODXL):c.30G>A (p.Leu10=)

Genes: PODXL (podocalyxin like; minus strand), LOC129999375 (ATAC-STARR-seq lymphoblastoid silent region 18663; plus strand). Cytogenetic location: 7q32.3.
Variant type: single nucleotide variant.
Coding change: c.30G>A on transcript NM_001018111.3 (MANE Select); coding-DNA position 30, G replaced by A.
Protein change: p.Leu10=; no amino-acid change (leucine 10 retained).
Molecular consequence: synonymous variant.
Genome position (GRCh38, 1-based): chr7:131,556,330, C>T on the plus strand (G>A on the coding strand, the complement: PODXL is on the minus strand). VCF-style: chr7-131556330-C-T. GRCh37 (hg19) VCF-style: chr7-131241089-C-T.
Other names: p.Leu10=; c.30G>A, p.Leu10= (NM_005397.4).
Identifiers: ClinVar variation 787869 (VCV000787869.12), dbSNP rs116656523, ClinGen allele CA4488804.

ClinVar aggregate classification (germline): Benign. Review status: criteria provided, multiple submitters, no conflicts (2 of 4 stars). 3 submissions from 3 submitters: Benign (3). Last evaluated 2026-01-31.

Allele frequency attached by ClinVar (database versions not stated): ESP Exome Variant Server 0.00736; gnomAD 0.00891 and 0.00946; 1000 Genomes Project 0.00978; TOPMed 0.01002; 1000 Genomes Project 30x 0.01140; gnomAD exomes 0.00075 and 0.00145; ExAC 0.00289.
gnomAD v4.1: 2,376 of 1,479,208 alleles (0.16%); highest among the groups gnomAD compares: African/African-American, 3.2%; 31 homozygotes.

Submissions (3):

Labcorp Genetics (formerly Invitae), Labcorp
Classification: Benign. Last evaluated: 2026-01-31. Review status: criteria provided, single submitter. Criteria: Invitae Variant Classification Sherloc (09022015). Collection method: clinical testing. Allele origin: germline.

Mayo Clinic Laboratories, Mayo Clinic
Classification: Benign. Last evaluated: 2023-08-14. Review status: criteria provided, single submitter. Criteria: ACMG Guidelines, 2015. Collection method: clinical testing. Allele origin: germline. Observed: 5 variant alleles.
Comment: BS1, BS2, BP4, BP7

Breakthrough Genomics
Classification: Benign. Review status: criteria provided, single submitter. Criteria: ACMG Guidelines, 2015. Collection method: not provided. Allele origin: germline. Inheritance: Unknown mechanism. Affected: yes.